The following is an entry in ClinVar:

NM_006015.6(ARID1A):c.6736G>A (p.Glu2246Lys)

Gene: ARID1A (AT-rich interaction domain 1A; plus strand). Cytogenetic location: 1p36.11.
Variant type: single nucleotide variant.
Coding change: c.6736G>A on transcript NM_006015.6 (MANE Select); coding-DNA position 6736, G replaced by A.
Protein change: p.Glu2246Lys; replaces glutamic acid 2246 with lysine.
Molecular consequence: missense variant.
Genome position (GRCh38, 1-based): chr1:26,780,634, G>A. VCF-style: chr1-26780634-G-A. GRCh37 (hg19) VCF-style: chr1-27107125-G-A.
Other names: c.6085G>A, p.Glu2029Lys (NM_139135.4); short protein forms E2029K, E2246K.
Identifiers: ClinVar variation 2430430 (VCV002430430.1), dbSNP rs2081182953, ClinGen allele CA339193849.

ClinVar aggregate classification (germline): Uncertain significance (1 of 4 stars; one submission).

Submission:

GeneDx
Classification: Uncertain significance. Last evaluated: 2022-08-15. Review status: criteria provided, single submitter. Criteria: GeneDx Variant Classification Process June 2021. Collection method: clinical testing. Allele origin: germline. Affected: yes.
Comment: Not observed at significant frequency in large population cohorts (gnomAD); In silico analysis supports that this missense variant has a deleterious effect on protein structure/function; Has not been previously published as pathogenic or benign to our knowledge